The following is an entry in ClinVar:

ClinVar aggregate classification (germline): Uncertain significance (1 of 4 stars; one submission).

Submission:

Labcorp Genetics (formerly Invitae), Labcorp
Classification: Uncertain significance. Last evaluated: 2025-11-13. Review status: criteria provided, single submitter. Criteria: Invitae Variant Classification Sherloc (09022015). Collection method: clinical testing. Allele origin: germline.
Comment: This sequence change replaces glycine, which is neutral and non-polar, with valine, which is neutral and non-polar, at codon 936 of the REST protein (p.Gly936Val). This variant is present in population databases (no rsID available, gnomAD 0.0009%). This variant has not been reported in the literature in individuals affected with REST-related conditions. An algorithm developed to predict the effect of missense changes on protein structure and function outputs the following: PolyPhen-2: "Benign". The valine amino acid residue is found in multiple mammalian species, which suggests that this missense change does not adversely affect protein function. In summary, the available evidence is currently insufficient to determine the role of this variant in disease. Therefore, it has been classified as a Variant of Uncertain Significance.

NM_005612.5(REST):c.2807G>T (p.Gly936Val)

Gene: REST (RE1 silencing transcription factor; plus strand). Cytogenetic location: 4q12.
Variant type: single nucleotide variant.
Coding change: c.2807G>T on transcript NM_005612.5 (MANE Select); coding-DNA position 2807, G replaced by T.
Protein change: p.Gly936Val; replaces glycine 936 with valine.
Molecular consequence: missense variant.
Genome position (GRCh38, 1-based): chr4:56,931,665, G>T. VCF-style: chr4-56931665-G-T. GRCh37 (hg19) VCF-style: chr4-57797831-G-T.
Other names: c.2807G>T, p.Gly936Val (NM_001193508.2, NM_001363453.3); c.2723G>T, p.Gly908Val (NM_001440532.1, NM_001440533.1); short protein forms G908V, G936V.
Identifiers: ClinVar variation 4753811 (VCV004753811.1).
Genomic context (GRCh38, chr4:56,931,665, plus strand): 5'-CTACCCATATTTCATCCTCTGGACAAAACTTGAATACGCCAGAGGGTGAAACTTTAAATG[G>T]TAAACATCAGACTGACAGTATAGTTTGTGAAATGAAAATGGACACTGATCAGAACACAAG-3'
Protein context (NP_005603.3, residues 926-946): LNTPEGETLN[Gly936Val]KHQTDSIVCE